The following is an entry in ClinVar:

NM_000046.5(ARSB):c.479G>A (p.Arg160Gln)

Gene: ARSB (arylsulfatase B; minus strand). Cytogenetic location: 5q14.1.
Variant type: single nucleotide variant.
Coding change: c.479G>A on transcript NM_000046.5 (MANE Select); coding-DNA position 479, G replaced by A.
Protein change: p.Arg160Gln; replaces arginine 160 with glutamine.
Molecular consequence: missense variant.
Genome position (GRCh38, 1-based): chr5:78,969,026, C>T on the plus strand (G>A on the coding strand, the complement: ARSB is on the minus strand). VCF-style: chr5-78969026-C-T. GRCh37 (hg19) VCF-style: chr5-78264849-C-T.
Other names: c.479G>A, p.Arg160Gln (NM_198709.3); c.479G>A (NM_000046.3); short protein forms R160Q.
Identifiers: ClinVar variation 445292 (VCV000445292.16), dbSNP rs1196325597, ClinGen allele CA360193893.
Genomic context (GRCh38, chr5:78,969,026, plus strand): 5'-TTAGTCTAAGTTGTTAAAGAAACATGTGCATTTCCATTACCAAAGTAGGTATCAAATCCT[C>T]GGCGGGTTGGAAGGCATTCTTTCCGGTACATTCCCAGGTGCCATTTTCCGACCATATGGG-3'
Protein context (NP_000037.2, residues 150-170): MYRKECLPTR[Arg160Gln]GFDTYFGYLL

ClinVar aggregate classification (germline): Pathogenic/Likely pathogenic. Review status: criteria provided, multiple submitters, no conflicts (2 of 4 stars). 5 submissions from 5 submitters: Pathogenic (4); Likely pathogenic (1). Last evaluated 2026-01-17.

Conditions:
Mucopolysaccharidosis type 6 (MPS6). Also called: MPS VI; ARSB DEFICIENCY; ARYLSULFATASE B DEFICIENCY; MPS 6; Maroteaux Lamy syndrome; N-ACETYLGALACTOSAMINE-4-SULFATASE DEFICIENCY. Identifiers: Orphanet 583, MedGen C0026709, MONDO:0009661, OMIM 253200.

Allele frequency attached by ClinVar (database versions not stated): gnomAD exomes below 0.00001 and 0.00001; TOPMed below 0.00001.
gnomAD v4.1: 9 of 1,614,146 alleles (0.00056%); highest among the groups gnomAD compares: East Asian, 0.0022%; no homozygotes.

Submissions (5):

Natera, Inc.
Classification: Pathogenic for Mucopolysaccharidosis type VI. Last evaluated: 2026-01-17. Review status: criteria provided, single submitter. Criteria: Natera Variant Classification Schema (03/2026). Collection method: clinical testing. Allele origin: germline.
Comment: The c.479G>A variant in ARSB is a missense variant predicted to cause substitution of arginine to glutamine at amino acid 160. This variant is rare in the general population with a frequency below the threshold expected for the associated phenotype(s). This variant has been observed in one or more individuals affected with the associated recessive disease, as either homozygous or compound heterozygous with a second variant (PMID: 24677745, 34813777, 17643332). Given the available evidence, this variant is classified as Pathogenic.

Labcorp Genetics (formerly Invitae), Labcorp
Classification: Pathogenic for Mucopolysaccharidosis type 6. Last evaluated: 2024-07-15. Review status: criteria provided, single submitter. Criteria: Invitae Variant Classification Sherloc (09022015). Collection method: clinical testing. Allele origin: germline.
Comment: This sequence change replaces arginine, which is basic and polar, with glutamine, which is neutral and polar, at codon 160 of the ARSB protein (p.Arg160Gln). This variant is present in population databases (no rsID available, gnomAD 0.0009%). This missense change has been observed in individual(s) with mucopolysaccharidosis type VI (PMID: 8125475, 17643332, 22133300, 24677745, 27797586). In at least one individual the data is consistent with being in trans (on the opposite chromosome) from a pathogenic variant. ClinVar contains an entry for this variant (Variation ID: 445292). Advanced modeling of protein sequence and biophysical properties (such as structural, functional, and spatial information, amino acid conservation, physicochemical variation, residue mobility, and thermodynamic stability) performed at Invitae indicates that this missense variant is expected to disrupt ARSB protein function with a positive predictive value of 95%. For these reasons, this variant has been classified as Pathogenic.

Women's Health and Genetics/Laboratory Corporation of America, LabCorp
Classification: Pathogenic for Mucopolysaccharidosis type 6. Last evaluated: 2023-08-07. Review status: criteria provided, single submitter. Criteria: LabCorp Variant Classification Summary - May 2015. Collection method: clinical testing. Allele origin: germline.
Comment: Variant summary: ARSB c.479G>A (p.Arg160Gln) results in a conservative amino acid change located in the sulfatase, N-terminal domain (IPR000917) of the encoded protein sequence. Four of five in-silico tools predict a damaging effect of the variant on protein function. The variant allele was found at a frequency of 4e-06 in 251478 control chromosomes (gnomAD). c.479G>A has been reported in the literature as a biallelic genotype in multiple individuals affected with Mucopolysaccharidosis Type VI (Maroteaux-Lamy Syndrome) (e.g. Voskoboeva_1994, Garrido_2007, Kantaputra_2014, Fang_2022). These data indicate that the variant is very likely to be associated with disease. The following publications have been ascertained in the context of this evaluation (PMID: 34813777, 17643332, 22133300, 24677745, 8125475). Three submitters have cited clinical-significance assessments for this variant to ClinVar after 2014. All submitters classified the variant as pathogenic (n=2)/likely pathogenic (n=1). Based on the evidence outlined above, the variant was classified as pathogenic.

Laboratory of Diagnosis and Therapy of Lysosomal Disorders, University of Padova
Classification: Likely pathogenic for Mucopolysaccharidosis type 6. Last evaluated: 2018-01-01. Review status: criteria provided, single submitter. Criteria: ACMG Guidelines, 2015. Collection method: curation. Allele origin: germline. Affected: yes.
Comment: In vitro functional studies supportive of a damaging effect on the gene product (low to no ARSB activity in homozygotes; PS3); Very low frequency in GnomAD (PM2)

Medical Molecular Genetics Department, National Research Center
Classification: Pathogenic for Mucopolysaccharidosis type 6. Last evaluated: 2015-12-01. Review status: criteria provided, single submitter. Criteria: ACMG Guidelines, 2015. Collection method: research. Allele origin: germline. Affected: yes. Observed: 1 variant allele.

Literature cited by the submitters: PubMed 24677745 (cited by 4 submitters); PubMed 34813777 (cited by Natera, Inc. and Women's Health and Genetics/Laboratory Corporation of America, LabCorp); PubMed 17643332 (cited by 4 submitters); PubMed 8125475 (cited by 4 submitters); PubMed 22133300 (cited by Labcorp Genetics (formerly Invitae), Labcorp and Women's Health and Genetics/Laboratory Corporation of America, LabCorp); PubMed 27797586 (cited by Labcorp Genetics (formerly Invitae), Labcorp and Laboratory of Diagnosis and Therapy of Lysosomal Disorders, University of Padova); PubMed 10923267 (cited by Laboratory of Diagnosis and Therapy of Lysosomal Disorders, University of Padova); PubMed 17458871 (cited by Laboratory of Diagnosis and Therapy of Lysosomal Disorders, University of Padova); PubMed 26937411 (cited by Laboratory of Diagnosis and Therapy of Lysosomal Disorders, University of Padova); PubMed 24373060 (cited by Laboratory of Diagnosis and Therapy of Lysosomal Disorders, University of Padova); PubMed 30118150 (cited by Laboratory of Diagnosis and Therapy of Lysosomal Disorders, University of Padova).